The following is an entry in ClinVar:

NM_017739.4(POMGNT1):c.236-13T>C

Gene: POMGNT1 (protein O-linked mannose N-acetylglucosaminyltransferase 1 (beta 1,2-); minus strand). Cytogenetic location: 1p34.1.
Variant type: single nucleotide variant.
Coding change: c.236-13T>C on transcript NM_017739.4 (MANE Select); 13 bases into the intron before coding-DNA position 236, T replaced by C.
Molecular consequence: intron variant.
Genome position (GRCh38, 1-based): chr1:46,196,862, A>G on the plus strand (T>C on the coding strand, the complement: POMGNT1 is on the minus strand). VCF-style: chr1-46196862-A-G. GRCh37 (hg19) VCF-style: chr1-46662534-A-G.
Other names: c.236-13T>C (NM_001243766.2, NM_001438686.1, NM_001438688.1 and 3 more transcripts); c.170-13T>C (NM_001290129.3, NM_001438691.1, NM_001438692.1); c.-194-13T>C (NM_001290130.2).
Identifiers: ClinVar variation 95758 (VCV000095758.24), dbSNP rs150578902, ClinGen allele CA148806.

ClinVar aggregate classification (germline): Conflicting classifications of pathogenicity. Review status: criteria provided, conflicting classifications (1 of 4 stars). 7 submissions from 6 submitters: Uncertain significance (1); Benign (3); Likely benign (3). Last evaluated 2026-01-26.

Conditions:
Congenital Muscular Dystrophy, alpha-dystroglycan related.
Muscular dystrophy-dystroglycanopathy (congenital with impaired intellectual development), type B, 3. Also called: MUSCULAR DYSTROPHY, CONGENITAL, POMGNT1-RELATED; Muscular dystrophy-dystroglycanopathy (congenital with intellectual disability), type B3. Identifiers: MedGen C3150412, MONDO:0013155, OMIM 613151.
Autosomal recessive limb-girdle muscular dystrophy type 2O. Also called: MUSCULAR DYSTROPHY-DYSTROGLYCANOPATHY, LIMB-GIRDLE, POMGNT1-RELATED; MUSCULAR DYSTROPHY-DYSTROGLYCANOPATHY (LIMB-GIRDLE), TYPE C, 3; Limb-Girdle Muscular Dystrophy Type 3C. Identifiers: Orphanet 206564, MedGen C3150417, MONDO:0013161, OMIM 613157.

Allele frequency attached by ClinVar (database versions not stated): gnomAD exomes 0.00019 and 0.00051; ExAC 0.00058; TOPMed 0.00183; gnomAD 0.00186 and 0.00196; 1000 Genomes Project 0.00220; ESP Exome Variant Server 0.00238.
gnomAD v4.1: 567 of 1,613,982 alleles (0.035%); highest among the groups gnomAD compares: African/African-American, 0.68%; 4 homozygotes.

Submissions (7):

Labcorp Genetics (formerly Invitae), Labcorp
Classification: Benign for Autosomal recessive limb-girdle muscular dystrophy type 2O; Muscular dystrophy-dystroglycanopathy (congenital with impaired intellectual development), type B, 3. Last evaluated: 2026-01-26. Review status: criteria provided, single submitter. Criteria: Invitae Variant Classification Sherloc (09022015). Collection method: clinical testing. Allele origin: germline.

Blueprint Genetics
Classification: Likely benign. Last evaluated: 2024-11-25. Review status: criteria provided, single submitter. Criteria: ACMG Guidelines, 2015. Collection method: clinical testing. Allele origin: germline.

GeneDx
Classification: Likely benign. Last evaluated: 2020-07-16. Review status: criteria provided, single submitter. Criteria: GeneDx Variant Classification Process June 2021. Collection method: clinical testing. Allele origin: germline. Affected: yes.

Illumina Laboratory Services, Illumina
Classification: Uncertain significance for Autosomal recessive limb-girdle muscular dystrophy type 2O. Last evaluated: 2018-01-13. Review status: criteria provided, single submitter. Criteria: ICSL Variant Classification Criteria 13 December 2019. Collection method: clinical testing. Allele origin: germline.

Illumina Laboratory Services, Illumina
Classification: Likely benign for Congenital Muscular Dystrophy, alpha-dystroglycan related. Last evaluated: 2018-01-13. Review status: criteria provided, single submitter. Criteria: ICSL Variant Classification Criteria 13 December 2019. Collection method: clinical testing. Allele origin: germline.
Comment: This variant was observed in the ICSL laboratory as part of a predisposition screen in an ostensibly healthy population. It had not been previously curated by ICSL or reported in the Human Gene Mutation Database (HGMD: prior to June 1st, 2018), and was therefore a candidate for classification through an automated scoring system. Utilizing variant allele frequency, disease prevalence and penetrance estimates, and inheritance mode, an automated score was calculated to assess if this variant is too frequent to cause the disease. Based on the score and internal cut-off values, a variant classified as likely benign is not then subjected to further curation. The score for this variant resulted in a classification of likely benign for this disease.

Eurofins Ntd Llc (ga)
Classification: Benign. Last evaluated: 2012-10-17. Review status: criteria provided, single submitter. Criteria: EGL Classification Definitions 2015. Collection method: clinical testing. Allele origin: germline. Observed: 1 variant allele, 1 heterozygote.

PreventionGenetics, part of Exact Sciences
Classification: Benign. Review status: criteria provided, single submitter. Criteria: ACMG Guidelines, 2015. Collection method: clinical testing. Allele origin: germline.